The following is an entry in ClinVar:

ClinVar aggregate classification (germline): Conflicting classifications of pathogenicity. Review status: criteria provided, conflicting classifications (1 of 4 stars). 2 submissions from 2 submitters: Uncertain significance (1); Likely benign (1). Last evaluated 2022-03-28.

Conditions:
Hereditary cancer-predisposing syndrome. Also called: Hereditary neoplastic syndrome; Neoplastic Syndromes, Hereditary; Hereditary Cancer Syndrome; Tumor predisposition. Identifiers: Orphanet 140162, MedGen C0027672, MeSH D009386, MONDO:0015356.
Pheochromocytoma/paraganglioma syndrome 3. Also called: GLOMUS TUMORS, FAMILIAL, 3; SDHC-Related Hereditary Paraganglioma-Pheochromocytoma Syndrome; Paragangliomas 3; SDHC-Related Hereditary Paraganglioma-Pheochromocytoma Syndrome (Paragangliomas 3). Identifiers: Orphanet 29072, MedGen C1854336, MONDO:0011544, OMIM 605373.
Gastrointestinal stromal tumor. Also called: Gastrointestinal stromal tumor, somatic; Gastrointestinal stroma tumor. Identifiers: Orphanet 44890, MedGen C0238198, MeSH D046152, MONDO:0011719, OMIM 606764, HP:0100723.

Allele frequency attached by ClinVar (database versions not stated): TOPMed below 0.00001; gnomAD 0.00001 and 0.00003; gnomAD exomes below 0.00001.
gnomAD v4.1: 2 of 1,613,262 alleles (0.00012%); highest among the groups gnomAD compares: East Asian, 0.0045%; no homozygotes.

Submissions (2):

Labcorp Genetics (formerly Invitae), Labcorp
Classification: Uncertain significance for Pheochromocytoma/paraganglioma syndrome 3; Gastrointestinal stromal tumor. Last evaluated: 2022-03-28. Review status: criteria provided, single submitter. Criteria: Invitae Variant Classification Sherloc (09022015). Collection method: clinical testing. Allele origin: germline.
Comment: In summary, the available evidence is currently insufficient to determine the role of this variant in disease. Therefore, it has been classified as a Variant of Uncertain Significance. Algorithms developed to predict the effect of missense changes on protein structure and function output the following: SIFT: "Tolerated"; PolyPhen-2: "Benign"; Align-GVGD: "Class C0". The alanine amino acid residue is found in multiple mammalian species, which suggests that this missense change does not adversely affect protein function. ClinVar contains an entry for this variant (Variation ID: 534369). This variant has not been reported in the literature in individuals affected with SDHC-related conditions. This variant is present in population databases (no rsID available, gnomAD 0.06%). This sequence change replaces valine, which is neutral and non-polar, with alanine, which is neutral and non-polar, at codon 154 of the SDHC protein (p.Val154Ala).

Ambry Genetics
Classification: Likely benign for Hereditary cancer-predisposing syndrome. Last evaluated: 2022-01-12. Review status: criteria provided, single submitter. Criteria: Ambry Variant Classification Scheme 2023. Collection method: clinical testing. Allele origin: germline.

NM_003001.5(SDHC):c.461T>C (p.Val154Ala)

Gene: SDHC (succinate dehydrogenase complex subunit C; plus strand). Cytogenetic location: 1q23.3.
Variant type: single nucleotide variant.
Coding change: c.461T>C on transcript NM_003001.5 (MANE Select); coding-DNA position 461, T replaced by C.
Protein change: p.Val154Ala; replaces valine 154 with alanine.
Molecular consequence: missense variant. On other transcripts: synonymous variant (3), non-coding transcript variant (1).
Genome position (GRCh38, 1-based): chr1:161,362,384, T>C. VCF-style: chr1-161362384-T-C. GRCh37 (hg19) VCF-style: chr1-161332174-T-C.
Other names: c.297T>C, p.Gly99= (NM_001035511.3); c.359T>C, p.Val120Ala (NM_001035512.3); c.302T>C, p.Val101Ala (NM_001035513.3); c.195T>C, p.Gly65= (NM_001278172.3); c.581T>C, p.Val194Ala (NM_001407115.1); c.404T>C, p.Val135Ala (NM_001407116.1); c.398T>C, p.Val133Ala (NM_001407117.1); c.353T>C, p.Val118Ala (NM_001407118.1); and 2 more; short protein forms V154A, V101A, V120A, V133A, V135A, V117A, V118A, V194A.
Identifiers: ClinVar variation 534369 (VCV000534369.9), dbSNP rs1378160712, ClinGen allele CA343457806.
Genomic context (GRCh38, chr1:161,362,384, plus strand): 5'-CACAGATGTGGGACCTAGGAAAAGGCCTGAAGATTCCCCAGCTATACCAGTCTGGAGTGG[T>C]TGTCCTGGTTCTTACTGTGTTGTCCTCTATGGGGCTGGCAGCCATGTGAAGAAAGGAGGC-3'
Protein context (NP_002992.1, residues 144-164): KIPQLYQSGV[Val154Ala]VLVLTVLSSM